The following is an entry in ClinVar:

ClinVar aggregate classification (germline): Uncertain significance (1 of 4 stars; one submission).

gnomAD v4.1: 2 of 1,551,248 alleles (0.00013%); highest among the groups gnomAD compares: African/African-American, 0.0014%; no homozygotes.

Submission:

Women's Health and Genetics/Laboratory Corporation of America, LabCorp
Classification: Uncertain significance. Last evaluated: 2024-07-31. Review status: criteria provided, single submitter. Criteria: LabCorp Variant Classification Summary - May 2015. Collection method: clinical testing. Allele origin: germline.
Comment: Variant summary: FBLN1 c.293A>T (p.Asn98Ile) results in a non-conservative amino acid change located in the Anaphylatoxin/fibulin domain (IPR000020) of the encoded protein sequence. Three of five in-silico tools predict a damaging effect of the variant on protein function. The variant was absent in 156242 control chromosomes. The available data on variant occurrences in the general population are insufficient to allow any conclusion about variant significance. To our knowledge, no occurrence of c.293A>T in individuals affected with Synpolydactyly Type 2 and no experimental evidence demonstrating its impact on protein function have been reported. No submitters have cited clinical-significance assessments for this variant to ClinVar. Based on the evidence outlined above, the variant was classified as uncertain significance.

NM_006486.3(FBLN1):c.293A>T (p.Asn98Ile)

Gene: FBLN1 (fibulin 1; plus strand). Cytogenetic location: 22q13.31.
Variant type: single nucleotide variant.
Coding change: c.293A>T on transcript NM_006486.3 (MANE Select); coding-DNA position 293, A replaced by T.
Protein change: p.Asn98Ile; replaces asparagine 98 with isoleucine.
Molecular consequence: missense variant.
Genome position (GRCh38, 1-based): chr22:45,525,650, A>T. VCF-style: chr22-45525650-A-T. GRCh37 (hg19) VCF-style: chr22-45921530-A-T.
Other names: c.293A>T, p.Asn98Ile (NM_001996.4, NM_006485.4, NM_006487.3); short protein forms N98I.
Identifiers: ClinVar variation 3339034 (VCV003339034.1).